The following is an entry in ClinVar:

NM_020821.3(VPS13C):c.3394A>G (p.Ile1132Val)

Gene: VPS13C (vacuolar protein sorting 13 homolog C; minus strand). Cytogenetic location: 15q22.2.
Variant type: single nucleotide variant.
Coding change: c.3394A>G on transcript NM_020821.3 (MANE Select); coding-DNA position 3394, A replaced by G.
Protein change: p.Ile1132Val; replaces isoleucine 1132 with valine.
Molecular consequence: missense variant.
Genome position (GRCh38, 1-based): chr15:61,962,790, T>C on the plus strand (A>G on the coding strand, the complement: VPS13C is on the minus strand). VCF-style: chr15-61962790-T-C. GRCh37 (hg19) VCF-style: chr15-62254989-T-C.
Other names: p.Ile1132Val; c.3394A>G, p.Ile1132Val (NM_001018088.3); c.3265A>G, p.Ile1089Val (NM_017684.5, NM_018080.4); short protein forms I1089V, I1132V.
Identifiers: ClinVar variation 1226093 (VCV001226093.15), dbSNP rs3784635, ClinGen allele CA7596393.

ClinVar aggregate classification (germline): Benign. Review status: criteria provided, multiple submitters, no conflicts (2 of 4 stars). 5 submissions from 5 submitters: Benign (4). 1 of the submissions does not count toward it. Last evaluated 2026-02-02.

Conditions:
VPS13C-related disorder. Also called: VPS13C-related condition.

Allele frequency attached by ClinVar (database versions not stated): gnomAD exomes 0.04039 and 0.07243; 1000 Genomes Project 30x 0.09603; ESP Exome Variant Server 0.01915; gnomAD 0.04123 and 0.04638; TOPMed 0.04436; ExAC 0.06787; 1000 Genomes Project 0.09685.
gnomAD v4.1: 66,169 of 1,607,362 alleles (4.1%); highest among the groups gnomAD compares: East Asian, 21%; 3,258 homozygotes.

Submissions (5):

Labcorp Genetics (formerly Invitae), Labcorp
Classification: Benign. Last evaluated: 2026-02-02. Review status: criteria provided, single submitter. Criteria: Invitae Variant Classification Sherloc (09022015). Collection method: clinical testing. Allele origin: germline.

Mayo Clinic Laboratories, Mayo Clinic
Classification: Benign. Last evaluated: 2022-03-24. Review status: criteria provided, single submitter. Criteria: ACMG Guidelines, 2015. Collection method: clinical testing. Allele origin: germline. Observed: 48 variant alleles.

GeneDx
Classification: Benign. Last evaluated: 2021-05-05. Review status: criteria provided, single submitter. Criteria: GeneDx Variant Classification Process June 2021. Collection method: clinical testing. Allele origin: germline. Affected: yes.

Breakthrough Genomics
Classification: Benign. Review status: criteria provided, single submitter. Criteria: ACMG Guidelines, 2015. Collection method: not provided. Allele origin: germline. Inheritance: Autosomal recessive inheritance. Affected: yes.

PreventionGenetics, part of Exact Sciences
Classification: Benign for VPS13C-related condition. Last evaluated: 2019-06-05. Review status: no assertion criteria provided. Collection method: clinical testing. Allele origin: germline. Not counted in ClinVar's aggregate classification.
Comment: This variant is classified as benign based on ACMG/AMP sequence variant interpretation guidelines (Richards et al. 2015 PMID: 25741868, with internal and published modifications).